The following is an entry in ClinVar:

NM_018292.5(QRSL1):c.46G>A (p.Gly16Ser)

Gene: QRSL1 (glutaminyl-tRNA amidotransferase subunit QRSL1; plus strand). Cytogenetic location: 6q21.
Variant type: single nucleotide variant.
Coding change: c.46G>A on transcript NM_018292.5 (MANE Select); coding-DNA position 46, G replaced by A.
Protein change: p.Gly16Ser; replaces glycine 16 with serine.
Molecular consequence: missense variant.
Genome position (GRCh38, 1-based): chr6:106,640,370, G>A. VCF-style: chr6-106640370-G-A. GRCh37 (hg19) VCF-style: chr6-107088245-G-A.
Other names: short protein forms G16S.
Identifiers: ClinVar variation 3150383 (VCV003150383.2), dbSNP rs368730240, ClinGen allele CA3944661.

ClinVar aggregate classification (germline): Uncertain significance. Review status: criteria provided, multiple submitters, no conflicts (2 of 4 stars). 2 submissions from 2 submitters: Uncertain significance (2). Last evaluated 2025-10-06.

Conditions:
Inborn genetic diseases. Identifiers: MedGen C0950123, MeSH D030342.

Allele frequency attached by ClinVar (database versions not stated): ExAC 0.00002; ESP Exome Variant Server 0.00008.
gnomAD v4.1: 59 of 1,610,404 alleles (0.0037%); highest among the groups gnomAD compares: Middle Eastern, 0.05%; no homozygotes.

Submissions (2):

Labcorp Genetics (formerly Invitae), Labcorp
Classification: Uncertain significance. Last evaluated: 2025-10-06. Review status: criteria provided, single submitter. Criteria: Invitae Variant Classification Sherloc (09022015). Collection method: clinical testing. Allele origin: germline.
Comment: This sequence change replaces glycine, which is neutral and non-polar, with serine, which is neutral and polar, at codon 16 of the QRSL1 protein (p.Gly16Ser). This variant is present in population databases (rs368730240, gnomAD 0.01%). This variant has not been reported in the literature in individuals affected with QRSL1-related conditions. ClinVar contains an entry for this variant (Variation ID: 3150383). Invitae Evidence Modeling of protein sequence and biophysical properties (such as structural, functional, and spatial information, amino acid conservation, physicochemical variation, residue mobility, and thermodynamic stability) has been performed for this missense variant. However, the output from this modeling did not meet the statistical confidence thresholds required to predict the impact of this variant on QRSL1 protein function. In summary, the available evidence is currently insufficient to determine the role of this variant in disease. Therefore, it has been classified as a Variant of Uncertain Significance.

Ambry Genetics
Classification: Uncertain significance for Inborn genetic diseases. Last evaluated: 2023-11-14. Review status: criteria provided, single submitter. Criteria: Ambry Variant Classification Scheme 2023. Collection method: clinical testing. Allele origin: germline.